The following is an entry in ClinVar:

NM_000352.6(ABCC8):c.2677dup (p.Leu893fs)

Gene: ABCC8 (ATP binding cassette subfamily C member 8; minus strand). Cytogenetic location: 11p15.1.
Variant type: Duplication.
Coding change: c.2677dup on transcript NM_000352.6 (MANE Select); coding-DNA position 2677, one base duplicated (C; older notation c.2677dupC).
Protein change: p.Leu893fs; shifts the reading frame from leucine 893.
Molecular consequence: frameshift variant. On other transcripts: non-coding transcript variant (1).
Genome position (GRCh38, 1-based): chr11:17,410,533, G duplicated on the plus strand (C on the coding strand, the reverse complement: ABCC8 is on the minus strand); the first of 2 consecutive G bases (chr11:17,410,533-17,410,534); duplicating either gives the same sequence. VCF-style (leftmost placement, unchanged base first): chr11-17410532-A-AG. GRCh37 (hg19) VCF-style: chr11-17432079-A-AG.
Other names: c.2680dup, p.Leu894fs (NM_001287174.3); c.2743dup, p.Leu915fs (NM_001351295.2); c.2677dup, p.Leu893fs (NM_001351296.2); c.2674dup, p.Leu892fs (NM_001351297.2); short protein forms L892fs, L893fs, L894fs, L915fs.
Identifiers: ClinVar variation 5011792 (VCV005011792.1).

ClinVar aggregate classification (germline): Pathogenic (1 of 4 stars; one submission).

Conditions:
Hyperinsulinemic hypoglycemia, familial, 1 (HHF1). Also called: HYPERINSULINISM, FAMILIAL, WITH PANCREATIC NESIDIOBLASTOSIS; HYPOGLYCEMIA, HYPERINSULINEMIC, OF INFANCY; NESIDIOBLASTOSIS OF PANCREAS; Persistent Hyperinsulinemia Hypoglycemia of Infancy; Persistent hyperinsulinemic hypoglycemia of infancy. Identifiers: Orphanet 276575, Orphanet 276598, MedGen C2931832, MONDO:0009734, OMIM 256450.

Submission:

Myriad Genetics, Inc.
Classification: Pathogenic for Hyperinsulinemic hypoglycemia, familial, 1. Last evaluated: 2023-09-27. Review status: criteria provided, single submitter. Criteria: Myriad Autosomal Dominant, Autosomal Recessive and X-Linked Classification Criteria (2023). Collection method: clinical testing. Allele origin: unknown.
Comment: NM_000352.3(ABCC8):c.2677dupC(L893Pfs*28) is expected to be pathogenic in the context of familial hyperinsulinism, ABCC8-related. This variant is predicted to lead to an abnormal or absent protein product due to the creation of a premature termination codon in ABCC8, a gene where loss-of-function variants are known to be pathogenic. Please note: this variant was assessed in the context of healthy population screening.